The following is an entry in ClinVar:

ClinVar aggregate classification (germline): Uncertain significance (1 of 4 stars; one submission).

Submission:

Dasa
Classification: Uncertain significance. Last evaluated: 2024-12-09. Review status: criteria provided, single submitter. Criteria: DASA Assertion Criteria. Collection method: clinical testing. Allele origin: germline.
Comment: NM_032892.5(FRMD5):c.1427G>C (p.Gly476Ala) is a missense variant that results in the substitution of glycine with alanine. This variant is absent from population databases. Computational prediction algorithms are consistent with a benign effect. The currently available literature and clinical evidence are not sufficient to establish a definitive association between this variant and the reported condition. Therefore, this variant is classified as a variant of uncertain significance.

NM_032892.5(FRMD5):c.1427G>C (p.Gly476Ala)

Gene: FRMD5 (FERM domain containing 5; minus strand). Cytogenetic location: 15q15.3.
Variant type: single nucleotide variant.
Coding change: c.1427G>C on transcript NM_032892.5 (MANE Select); coding-DNA position 1427, G replaced by C.
Protein change: p.Gly476Ala; replaces glycine 476 with alanine.
Molecular consequence: missense variant. On other transcripts: non-coding transcript variant (1).
Genome position (GRCh38, 1-based): chr15:43,874,171, C>G on the plus strand (G>C on the coding strand, the complement: FRMD5 is on the minus strand). VCF-style: chr15-43874171-C-G. GRCh37 (hg19) VCF-style: chr15-44166369-C-G.
Other names: c.1145G>C, p.Gly382Ala (NM_001286490.2); c.725G>C, p.Gly242Ala (NM_001286491.2); c.1427G>C, p.Gly476Ala (NM_001322949.2, NM_001322950.2, NM_001411124.1); c.1322G>C, p.Gly441Ala (NM_001322951.2); short protein forms G242A, G382A, G441A, G476A.
Identifiers: ClinVar variation 4885874 (VCV004885874.2).